The following is an entry in ClinVar:

NM_013275.6(ANKRD11):c.69G>A (p.Glu23=)

Gene: ANKRD11 (ankyrin repeat domain 11; minus strand). Cytogenetic location: 16q24.3.
Variant type: single nucleotide variant.
Coding change: c.69G>A on transcript NM_013275.6 (MANE Select); coding-DNA position 69, G replaced by A.
Protein change: p.Glu23=; no amino-acid change (glutamic acid 23 retained).
Molecular consequence: synonymous variant. On other transcripts: non-coding transcript variant (1).
Genome position (GRCh38, 1-based): chr16:89,316,951, C>T on the plus strand (G>A on the coding strand, the complement: ANKRD11 is on the minus strand). VCF-style: chr16-89316951-C-T. GRCh37 (hg19) VCF-style: chr16-89383359-C-T.
Other names: c.69G>A (NM_013275.4); c.69G>A, p.Glu23= (NM_001256182.2, NM_001256183.2).
Identifiers: ClinVar variation 771561 (VCV000771561.41), dbSNP rs533051571, ClinGen allele CA8243284.

ClinVar aggregate classification (germline): Benign/Likely benign. Review status: criteria provided, multiple submitters, no conflicts (2 of 4 stars). 8 submissions from 8 submitters: Benign (4); Likely benign (3). 1 of the submissions does not count toward it. Last evaluated 2025-12-20.

Conditions:
Inborn genetic diseases. Identifiers: MedGen C0950123, MeSH D030342.
ANKRD11-related disorder. Also called: ANKRD11-related condition.
KBG syndrome (KBGS). Also called: ANKRD11-Related KBG Syndrome. Identifiers: Orphanet 2332, MedGen C0220687, MONDO:0007846, OMIM 148050.

Allele frequency attached by ClinVar (database versions not stated): gnomAD 0.00010 and 0.00015; TOPMed 0.00015; 1000 Genomes Project 30x 0.00016; 1000 Genomes Project 0.00020; gnomAD exomes 0.00021 and 0.00042; ExAC 0.00042.
gnomAD v4.1: 355 of 1,613,824 alleles (0.022%); highest among the groups gnomAD compares: Middle Eastern, 0.16%; 1 homozygote.

Submissions (8):

Labcorp Genetics (formerly Invitae), Labcorp
Classification: Benign for KBG syndrome. Last evaluated: 2025-12-20. Review status: criteria provided, single submitter. Criteria: Invitae Variant Classification Sherloc (09022015). Collection method: clinical testing. Allele origin: germline.

Blueprint Genetics
Classification: Likely benign. Last evaluated: 2024-02-21. Review status: criteria provided, single submitter. Criteria: ACMG Guidelines, 2015. Collection method: clinical testing. Allele origin: germline.

CeGaT Center for Human Genetics Tuebingen
Classification: Likely benign. Last evaluated: 2023-01-01. Review status: criteria provided, single submitter. Criteria: CeGaT Center For Human Genetics Tuebingen Variant Classification Criteria Version 2. Collection method: clinical testing. Allele origin: germline. Affected: yes. Observed: 2 variant alleles.
Comment: ANKRD11: BP4, BS1

Genome-Nilou Lab
Classification: Benign for KBG syndrome. Last evaluated: 2021-12-05. Review status: criteria provided, single submitter. Criteria: ACMG Guidelines, 2015. Collection method: clinical testing. Allele origin: germline. Affected: no.

GeneDx
Classification: Benign. Last evaluated: 2019-03-25. Review status: criteria provided, single submitter. Criteria: GeneDx Variant Classification Process June 2021. Collection method: clinical testing. Allele origin: germline. Affected: yes.

Ambry Genetics
Classification: Likely benign for Inborn genetic diseases. Last evaluated: 2018-01-10. Review status: criteria provided, single submitter. Criteria: Ambry Variant Classification Scheme 2023. Collection method: clinical testing. Allele origin: germline.

Breakthrough Genomics
Classification: Benign. Review status: criteria provided, single submitter. Criteria: ACMG Guidelines, 2015. Collection method: not provided. Allele origin: germline. Inheritance: Autosomal dominant inheritance. Affected: yes.

PreventionGenetics, part of Exact Sciences
Classification: Benign for ANKRD11-related condition. Last evaluated: 2019-05-20. Review status: no assertion criteria provided. Collection method: clinical testing. Allele origin: germline. Not counted in ClinVar's aggregate classification.
Comment: This variant is classified as benign based on ACMG/AMP sequence variant interpretation guidelines (Richards et al. 2015 PMID: 25741868, with internal and published modifications).